The following is an entry in ClinVar:

ClinVar aggregate classification (germline): Uncertain significance. Review status: criteria provided, multiple submitters, no conflicts (2 of 4 stars). 2 submissions from 2 submitters: Uncertain significance (2). Last evaluated 2025-11-05.

Allele frequency attached by ClinVar (database versions not stated): TOPMed 0.00004; gnomAD exomes 0.00008.
gnomAD v4.1: 122 of 1,613,734 alleles (0.0076%); highest among the groups gnomAD compares: Non-Finnish European, 0.0098%; no homozygotes.

Submissions (2):

Labcorp Genetics (formerly Invitae), Labcorp
Classification: Uncertain significance. Last evaluated: 2025-11-05. Review status: criteria provided, single submitter. Criteria: Invitae Variant Classification Sherloc (09022015). Collection method: clinical testing. Allele origin: germline.
Comment: This sequence change replaces serine, which is neutral and polar, with asparagine, which is neutral and polar, at codon 152 of the MYLK3 protein (p.Ser152Asn). This variant is present in population databases (no rsID available, gnomAD 0.0009%). This variant has not been reported in the literature in individuals affected with MYLK3-related conditions. ClinVar contains an entry for this variant (Variation ID: 1508887). An algorithm developed to predict the effect of missense changes on protein structure and function (PolyPhen-2) suggests that this variant is likely to be disruptive. In summary, the available evidence is currently insufficient to determine the role of this variant in disease. Therefore, it has been classified as a Variant of Uncertain Significance.

Ambry Genetics
Classification: Uncertain significance. Last evaluated: 2025-10-07. Review status: criteria provided, single submitter. Criteria: Ambry Variant Classification Scheme 2023. Collection method: clinical testing. Allele origin: germline.

NM_182493.3(MYLK3):c.455G>A (p.Ser152Asn)

Gene: MYLK3 (myosin light chain kinase 3; minus strand). Cytogenetic location: 16q11.2.
Variant type: single nucleotide variant.
Coding change: c.455G>A on transcript NM_182493.3 (MANE Select); coding-DNA position 455, G replaced by A.
Protein change: p.Ser152Asn; replaces serine 152 with asparagine.
Molecular consequence: missense variant. On other transcripts: intron variant (1).
Genome position (GRCh38, 1-based): chr16:46,747,739, C>T on the plus strand (G>A on the coding strand, the complement: MYLK3 is on the minus strand). VCF-style: chr16-46747739-C-T. GRCh37 (hg19) VCF-style: chr16-46781651-C-T.
Other names: c.455G>A (NM_182493.2); c.-113-7592G>A (NM_001308301.1); short protein forms S152N.
Identifiers: ClinVar variation 1508887 (VCV001508887.7), dbSNP rs755742409, ClinGen allele CA280241211.